The following is an entry in ClinVar:

NM_004360.5(CDH1):c.1308G>A (p.Leu436=)

Gene: CDH1 (cadherin 1; plus strand). Cytogenetic location: 16q22.1.
Variant type: single nucleotide variant.
Coding change: c.1308G>A on transcript NM_004360.5 (MANE Select); coding-DNA position 1308, G replaced by A.
Protein change: p.Leu436=; no amino-acid change (leucine 436 retained).
Molecular consequence: synonymous variant. On other transcripts: 5 prime UTR variant (2), intron variant (1).
Genome position (GRCh38, 1-based): chr16:68,813,483, G>A. VCF-style: chr16-68813483-G-A. GRCh37 (hg19) VCF-style: chr16-68847386-G-A.
Other names: c.1308G>A (LRG_301t1); c.-308G>A (NM_001317185.2); c.-512G>A (NM_001317186.2); c.1137+1220G>A (NM_001317184.2).
Identifiers: ClinVar variation 136058 (VCV000136058.68), dbSNP rs557551011, ClinGen allele CA189353.

ClinVar aggregate classification (germline): Benign/Likely benign. Review status: criteria provided, multiple submitters, no conflicts (2 of 4 stars). 18 submissions from 17 submitters: Benign (11); Likely benign (5). 2 of the submissions do not count toward it. Last evaluated 2026-01-28.

Conditions:
Breast and/or ovarian cancer. Identifiers: MedGen CN221562.
Hereditary cancer-predisposing syndrome. Also called: Tumor predisposition; Hereditary neoplastic syndrome; Hereditary Cancer Syndrome; Neoplastic Syndromes, Hereditary. Identifiers: Orphanet 140162, MedGen C0027672, MeSH D009386, MONDO:0015356.
Prostate cancer. Also called: Malignant tumor of prostate. Identifiers: Orphanet 1331, MedGen C0376358, MONDO:0008315, HP:0012125.
Hereditary diffuse gastric adenocarcinoma (HDGC). Also called: DIFFUSE GASTRIC AND LOBULAR BREAST CANCER SYNDROME. Identifiers: Orphanet 26106, MedGen C1708349, MONDO:0007648, OMIM 137215.

Allele frequency attached by ClinVar (database versions not stated): gnomAD below 0.00001 and 0.00011; TOPMed 0.00003; gnomAD exomes 0.00022 and 0.00030; ExAC 0.00032; 1000 Genomes Project 0.00060; 1000 Genomes Project 30x 0.00109.
gnomAD v4.1: 331 of 1,614,190 alleles (0.021%); highest among the groups gnomAD compares: South Asian, 0.34%; 6 homozygotes.

Submissions (18):

Labcorp Genetics (formerly Invitae), Labcorp
Classification: Benign for Hereditary diffuse gastric adenocarcinoma. Last evaluated: 2026-01-28. Review status: criteria provided, single submitter. Criteria: Invitae Variant Classification Sherloc (09022015). Collection method: clinical testing. Allele origin: germline.

ARUP Laboratories, Molecular Genetics and Genomics, ARUP Laboratories
Classification: Benign. Last evaluated: 2025-07-24. Review status: criteria provided, single submitter. Criteria: ARUP Molecular Germline Variant Investigation Process 2024. Collection method: clinical testing. Allele origin: germline.

Center for Genomic Medicine, Rigshospitalet, Copenhagen University Hospital
Classification: Likely benign. Last evaluated: 2025-03-04. Review status: criteria provided, single submitter. Criteria: ACMG Guidelines, 2015. Collection method: clinical testing. Allele origin: germline.

KCCC/NGS Laboratory, Kuwait Cancer Control Center
Classification: Benign for Hereditary diffuse gastric adenocarcinoma. Last evaluated: 2025-02-01. Review status: criteria provided, single submitter. Criteria: ACMG Guidelines, 2015. Collection method: clinical testing. Allele origin: germline. Affected: no.

Blueprint Genetics
Classification: Likely benign. Last evaluated: 2023-11-08. Review status: criteria provided, single submitter. Criteria: ACMG Guidelines, 2015. Collection method: clinical testing. Allele origin: germline.

KCCC/NGS Laboratory, Kuwait Cancer Control Center
Classification: Benign for Familial prostate cancer. Last evaluated: 2023-07-07. Review status: criteria provided, single submitter. Criteria: ACMG Guidelines, 2015. Collection method: clinical testing. Allele origin: germline. Affected: yes.

CeGaT Center for Human Genetics Tuebingen
Classification: Likely benign. Last evaluated: 2023-05-01. Review status: criteria provided, single submitter. Criteria: CeGaT Center For Human Genetics Tuebingen Variant Classification Criteria Version 2. Collection method: clinical testing. Allele origin: germline. Affected: yes. Observed: 1 variant allele.
Comment: CDH1: BP4, BP7, BS1

Myriad Genetics, Inc.
Classification: Benign for Hereditary diffuse gastric adenocarcinoma. Last evaluated: 2023-03-06. Review status: criteria provided, single submitter. Criteria: Myriad Autosomal Dominant, Autosomal Recessive and X-Linked Classification Criteria (2023). Collection method: clinical testing. Allele origin: unknown.
Comment: This variant is considered benign. This variant is a silent/synonymous amino acid change and it is not expected to impact splicing.

Quest Diagnostics Nichols Institute San Juan Capistrano
Classification: Benign. Last evaluated: 2022-10-10. Review status: criteria provided, single submitter. Criteria: Quest Diagnostics criteria. Collection method: clinical testing. Allele origin: unknown.

Sema4
Classification: Benign for Hereditary cancer-predisposing syndrome. Last evaluated: 2021-06-27. Review status: criteria provided, single submitter. Criteria: Sema4 Curation Guidelines. Collection method: curation. Allele origin: germline.

Women's Health and Genetics/Laboratory Corporation of America, LabCorp
Classification: Benign. Last evaluated: 2019-11-25. Review status: criteria provided, single submitter. Criteria: LabCorp Variant Classification Summary - May 2015. Collection method: clinical testing. Allele origin: germline.

CHEO Genetics Diagnostic Laboratory, Children's Hospital of Eastern Ontario
Classification: Likely benign for Breast and/or ovarian cancer. Last evaluated: 2019-10-31. Review status: criteria provided, single submitter. Criteria: ACMG Guidelines, 2015. Collection method: clinical testing. Allele origin: germline.

Illumina Laboratory Services, Illumina
Classification: Benign for Hereditary diffuse gastric adenocarcinoma. Last evaluated: 2018-01-12. Review status: criteria provided, single submitter. Criteria: ICSL Variant Classification Criteria 13 December 2019. Collection method: clinical testing. Allele origin: germline.
Comment: This variant was observed in the ICSL laboratory as part of a predisposition screen in an ostensibly healthy population. It had not been previously curated by ICSL or reported in the Human Gene Mutation Database (HGMD: prior to June 1st, 2018), and was therefore a candidate for classification through an automated scoring system. Utilizing variant allele frequency, disease prevalence and penetrance estimates, and inheritance mode, an automated score was calculated to assess if this variant is too frequent to cause the disease. Based on the score and internal cut-off values, a variant classified as benign is not then subjected to further curation. The score for this variant resulted in a classification of benign for this disease.

Color Diagnostics, LLC DBA Color Health
Classification: Benign for Hereditary cancer-predisposing syndrome. Last evaluated: 2016-07-28. Review status: criteria provided, single submitter. Criteria: ACMG Guidelines, 2015. Collection method: clinical testing. Allele origin: germline.

GeneDx
Classification: Benign. Last evaluated: 2015-03-03. Review status: criteria provided, single submitter. Criteria: GeneDx Variant Classification Process June 2021. Collection method: clinical testing. Allele origin: germline. Affected: yes.

Ambry Genetics
Classification: Likely benign for Hereditary cancer-predisposing syndrome. Last evaluated: 2014-09-29. Review status: criteria provided, single submitter. Criteria: Ambry Variant Classification Scheme 2023. Collection method: clinical testing. Allele origin: germline.

Counsyl
Classification: Likely benign for Hereditary diffuse gastric adenocarcinoma. Last evaluated: 2016-05-03. Review status: no assertion criteria provided. Collection method: clinical testing. Allele origin: unknown. Not counted in ClinVar's aggregate classification.

Department of Pathology and Laboratory Medicine, Sinai Health System
Classification: Benign. Review status: no assertion criteria provided. Collection method: clinical testing. Allele origin: unknown. Affected: yes. Study: The Canadian Open Genetics Repository (COGR). Not counted in ClinVar's aggregate classification.
Comment: The CDH1 p.Leu436= variant was not identified in the literature nor was it identified in the Cosmic or MutDB databases. The variant was identified in dbSNP (ID: rs557551011) as â€šÃ„ÃºWith other alleleâ€šÃ„Ã¹ and ClinVar (classified benign by Invitae, Color, ARUP and Quest Diagnostics Nichols Institute San Juan Capistrano; and as likely benign by Ambry Genetics, Illumina and Counsyl). The variant was identified in control databases in 75 (2 homozygous) of 246250 chromosomes at a frequency of 0.0003, increasing the likelihood this could be a low frequency benign variant (Genome Aggregation Database Feb 27, 2017). The variant was observed in the following populations: Other in 1 of 5486 chromosomes (freq: 0.0002), Latino in 2 of 33582 chromosomes (freq: 0.00006), European Non-Finnish in 1 of 111698 chromosomes (freq: 0.000009), and South Asian in 71 (2 homozygous) of 30782 chromosomes (freq: 0.002), while it was not observed in the African, Ashkenazi Jewish, East Asian or European Finnish populations. The p.Leu436= variant is not expected to have clinical significance because it does not result in a change of amino acid and is not located in a known consensus splice site. In addition, in silico or computational prediction software programs (SpliceSiteFinder, MaxEntScan, NNSPLICE, GeneSplicer) do not predict a difference in splicing. In summary, based on the above information, this variant meets our laboratory's criteria to be classified as benign.